The following is an entry in ClinVar:

ClinVar aggregate classification (germline): Uncertain significance (1 of 4 stars; one submission).

Conditions:
Primary ciliary dyskinesia 33. Also called: CILIARY DYSKINESIA, PRIMARY, 33, WITHOUT SITUS INVERSUS. Identifiers: Orphanet 244, MedGen C4225230, MONDO:0014750, OMIM 616726.

Submission:

Labcorp Genetics (formerly Invitae), Labcorp
Classification: Uncertain significance for Primary ciliary dyskinesia 33. Last evaluated: 2025-10-01. Review status: criteria provided, single submitter. Criteria: Invitae Variant Classification Sherloc (09022015). Collection method: clinical testing. Allele origin: germline.
Comment: This sequence change replaces proline, which is neutral and non-polar, with alanine, which is neutral and non-polar, at codon 16 of the GAS8 protein (p.Pro16Ala). This variant is not present in population databases (gnomAD no frequency). This variant has not been reported in the literature in individuals affected with GAS8-related conditions. ClinVar contains an entry for this variant (Variation ID: 3013994). Invitae Evidence Modeling of protein sequence and biophysical properties (such as structural, functional, and spatial information, amino acid conservation, physicochemical variation, residue mobility, and thermodynamic stability) indicates that this missense variant is not expected to disrupt GAS8 protein function with a negative predictive value of 80%. In summary, the available evidence is currently insufficient to determine the role of this variant in disease. Therefore, it has been classified as a Variant of Uncertain Significance.

NM_001481.3(DRC4):c.46C>G (p.Pro16Ala)

Gene: DRC4 (dynein regulatory complex subunit 4; plus strand). Cytogenetic location: 16q24.3.
Variant type: single nucleotide variant.
Coding change: c.46C>G on transcript NM_001481.3 (MANE Select); coding-DNA position 46, C replaced by G.
Protein change: p.Pro16Ala; replaces proline 16 with alanine.
Molecular consequence: missense variant. On other transcripts: 5 prime UTR variant (3).
Genome position (GRCh38, 1-based): chr16:90,027,678, C>G. VCF-style: chr16-90027678-C-G. GRCh37 (hg19) VCF-style: chr16-90094086-C-G.
Other names: c.-327C>G (NM_001286205.2); c.-599C>G (NM_001286208.2); c.-30C>G (NM_001286209.2); short protein forms P16A.
Identifiers: ClinVar variation 3013994 (VCV003013994.2), dbSNP rs1319259919, ClinGen allele CA397458451.
Genomic context (GRCh38, chr16:90,027,678, plus strand): 5'-CCATTATTTCCACCAAAGGCACCGAAAAAGAAAGGGAAGAAAGGCAAAGCCAAAGGCACC[C>G]CGATTGTCGATGGGCTCGCTCCAGAGGACATGAGCAAGGAGCAGGTGAGCAGAGCGGGCT-3'
Protein context (NP_001472.1, residues 6-26): KGKKGKAKGT[Pro16Ala]IVDGLAPEDM